The following is an entry in ClinVar:

ClinVar aggregate classification (germline): Uncertain significance. Review status: criteria provided, multiple submitters, no conflicts (2 of 4 stars). 4 submissions from 4 submitters: Uncertain significance (4). Last evaluated 2025-01-17.

Conditions:
DDX41-related hematologic malignancy predisposition syndrome. Also called: DDX41-Associated Familial Myelodysplastic Syndrome and Acute Myeloid Leukemia; Myeloproliferative/lymphoproliferative neoplasms, familial (multiple types), susceptibility to. Identifiers: Orphanet 488647, MedGen C4225174, MONDO:0014809, OMIM 616871.
Inborn genetic diseases. Identifiers: MedGen C0950123, MeSH D030342.

Allele frequency attached by ClinVar (database versions not stated): ESP Exome Variant Server 0.00008; gnomAD 0.00001; gnomAD exomes 0.00001; TOPMed 0.00003.
gnomAD v4.1: 15 of 1,613,778 alleles (0.00093%); highest among the groups gnomAD compares: Non-Finnish European, 0.0012%; no homozygotes.

Submissions (4):

Ambry Genetics
Classification: Uncertain significance for Inborn genetic diseases. Last evaluated: 2025-01-17. Review status: criteria provided, single submitter. Criteria: Ambry Variant Classification Scheme 2023. Collection method: clinical testing. Allele origin: germline.
Comment: The p.E426K variant (also known as c.1276G>A), located in coding exon 12 of the DDX41 gene, results from a G to A substitution at nucleotide position 1276. The glutamic acid at codon 426 is replaced by lysine, an amino acid with similar properties. This amino acid position is highly conserved in available vertebrate species. In addition, the in silico prediction for this alteration is inconclusive. Based on the available evidence, the clinical significance of this variant remains unclear.

Labcorp Genetics (formerly Invitae), Labcorp
Classification: Uncertain significance. Last evaluated: 2024-01-11. Review status: criteria provided, single submitter. Criteria: Invitae Variant Classification Sherloc (09022015). Collection method: clinical testing. Allele origin: germline.
Comment: This sequence change replaces glutamic acid, which is acidic and polar, with lysine, which is basic and polar, at codon 426 of the DDX41 protein (p.Glu426Lys). This variant is not present in population databases (gnomAD no frequency). This missense change has been observed in individual(s) with myelodysplastic syndrome (PMID: 35671390). ClinVar contains an entry for this variant (Variation ID: 1919893). An algorithm developed to predict the effect of missense changes on protein structure and function (PolyPhen-2) suggests that this variant is likely to be tolerated. In summary, the available evidence is currently insufficient to determine the role of this variant in disease. Therefore, it has been classified as a Variant of Uncertain Significance.

Baylor Genetics
Classification: Uncertain significance for DDX41-related hematologic malignancy predisposition syndrome. Last evaluated: 2023-11-30. Review status: criteria provided, single submitter. Criteria: ACMG Guidelines, 2015. Collection method: clinical testing. Allele origin: unknown.

GeneDx
Classification: Uncertain significance. Last evaluated: 2023-02-03. Review status: criteria provided, single submitter. Criteria: GeneDx Variant Classification Process June 2021. Collection method: clinical testing. Allele origin: germline. Affected: yes.
Comment: Not observed at significant frequency in large population cohorts (gnomAD); In silico analysis supports that this missense variant has a deleterious effect on protein structure/function; Variant observed in a patient with myelodysplastic syndrome; however, it is not definitive that the variant was germline (Li et al., 2022); This variant is associated with the following publications: (PMID: 27721487, 35671390)

Literature cited by the submitters: PubMed 35671390 (cited by Labcorp Genetics (formerly Invitae), Labcorp).

NM_016222.4(DDX41):c.1276G>A (p.Glu426Lys)

Gene: DDX41 (DEAD-box helicase 41; minus strand). Cytogenetic location: 5q35.3.
Variant type: single nucleotide variant.
Coding change: c.1276G>A on transcript NM_016222.4 (MANE Select); coding-DNA position 1276, G replaced by A.
Protein change: p.Glu426Lys; replaces glutamic acid 426 with lysine.
Molecular consequence: missense variant.
Genome position (GRCh38, 1-based): chr5:177,513,037, C>T on the plus strand (G>A on the coding strand, the complement: DDX41 is on the minus strand). VCF-style: chr5-177513037-C-T. GRCh37 (hg19) VCF-style: chr5-176940038-C-T.
Other names: c.1276G>A (NM_016222.2); c.898G>A, p.Glu300Lys (NM_001321732.2, NM_001321830.2); short protein forms E426K, E300K.
Identifiers: ClinVar variation 1919893 (VCV001919893.8), dbSNP rs376656648, ClinGen allele CA132890169.